The following is an entry in ClinVar:

ClinVar aggregate classification (germline): Uncertain significance. Review status: criteria provided, multiple submitters, no conflicts (2 of 4 stars). 5 submissions from 5 submitters: Uncertain significance (5). Last evaluated 2026-01-31.

Conditions:
Familial hypobetalipoproteinemia 1. Also called: Hypobetalipoproteinemia, normotriglyceridemic; Acanthocytosis with hypobetalipoproteinemia; APOB-Related Familial Hypobetalipoproteinemia. Identifiers: MedGen C4551990, MONDO:0014252, OMIM 615558.
Hypercholesterolemia, autosomal dominant, type B (FHCL2). Also called: Familial Hypercholesterolemia Type B; APOLIPOPROTEIN B-100, FAMILIAL DEFECTIVE; APOLIPOPROTEIN B-100, FAMILIAL LIGAND-DEFECTIVE; Familial hypercholesterolemia 2; Hyperlipoproteinemia Type IIb; APOB-Related Familial Hypercholesterolemia, Autosomal Dominant. Identifiers: MedGen C1704417, MONDO:0007751, OMIM 144010.
Cardiovascular phenotype. Identifiers: MedGen CN230736.

Allele frequency attached by ClinVar (database versions not stated): gnomAD 0.00001; gnomAD exomes 0.00001 and 0.00003; TOPMed 0.00002.
gnomAD v4.1: 28 of 1,613,574 alleles (0.0017%); highest among the groups gnomAD compares: Non-Finnish European, 0.00042%; no homozygotes.

Submissions (5):

Labcorp Genetics (formerly Invitae), Labcorp
Classification: Uncertain significance for Familial hypobetalipoproteinemia 1; Hypercholesterolemia, autosomal dominant, type B. Last evaluated: 2026-01-31. Review status: criteria provided, single submitter. Criteria: Invitae Variant Classification Sherloc (09022015). Collection method: clinical testing. Allele origin: germline.
Comment: This sequence change creates a premature translational stop signal (p.Gln4247*) in the APOB gene. While this is not anticipated to result in nonsense mediated decay, it is expected to disrupt the last 317 amino acid(s) of the APOB protein. This variant is present in population databases (no rsID available, gnomAD 0.06%). This premature translational stop signal has been observed in individual(s) with hypercholesterolemia (PMID: 33418990). ClinVar contains an entry for this variant (Variation ID: 544074). This variant disrupts a region of the APOB protein in which other variant(s) (p.Tyr4380*) have been observed in individuals with APOB-related conditions (internal data). This suggests that this is a clinically significant region of the protein, and that variants that disrupt it are likely to be disease-causing. In summary, the available evidence is currently insufficient to determine the role of this variant in disease. Therefore, it has been classified as a Variant of Uncertain Significance.

Ambry Genetics
Classification: Uncertain significance for Cardiovascular phenotype. Last evaluated: 2025-05-29. Review status: criteria provided, single submitter. Criteria: Ambry Variant Classification Scheme 2023. Collection method: clinical testing. Allele origin: germline.
Comment: The p.Q4247* variant (also known as c.12739C>T), located in coding exon 29 of the APOB gene, results from a C to T substitution at nucleotide position 12739. This changes the amino acid from a glutamine to a stop codon within coding exon 29. This alteration has been reported in a familial hypercholesterolemia (FH) cohort (Meshkov A et al. Genes (Basel), 2021 01;12:). This alteration is expected to result in premature protein truncation or nonsense-mediated mRNA decay. However, loss of function of APOB-related familial hypercholesterolemia (FH) has not been clearly established as a mechanism of disease. Since supporting evidence is limited at this time, the clinical significance of this alteration remains unclear.

Blueprint Genetics
Classification: Uncertain significance. Last evaluated: 2024-04-25. Review status: criteria provided, single submitter. Criteria: ACMG Guidelines, 2015. Collection method: clinical testing. Allele origin: germline.

Fulgent Genetics
Classification: Uncertain significance for Hypercholesterolemia, autosomal dominant, type B; Familial hypobetalipoproteinemia 1. Last evaluated: 2021-11-12. Review status: criteria provided, single submitter. Criteria: ACMG Guidelines, 2015. Collection method: clinical testing. Allele origin: unknown.

AiLife Diagnostics
Classification: Uncertain significance. Last evaluated: 2021-08-04. Review status: criteria provided, single submitter. Criteria: ACMG Guidelines, 2015. Collection method: clinical testing. Allele origin: germline. Affected: yes. Observed: 1 variant allele.

Literature cited by the submitters: PubMed 33418990 (cited by Labcorp Genetics (formerly Invitae), Labcorp and Ambry Genetics).

NM_000384.3(APOB):c.12739C>T (p.Gln4247Ter)

Gene: APOB (apolipoprotein B; minus strand). Cytogenetic location: 2p24.1.
Variant type: single nucleotide variant.
Coding change: c.12739C>T on transcript NM_000384.3 (MANE Select); coding-DNA position 12739, C replaced by T.
Protein change: p.Gln4247Ter; replaces glutamine 4247 with a stop codon.
Molecular consequence: nonsense.
Genome position (GRCh38, 1-based): chr2:21,002,683, G>A on the plus strand (C>T on the coding strand, the complement: APOB is on the minus strand). VCF-style: chr2-21002683-G-A. GRCh37 (hg19) VCF-style: chr2-21225555-G-A.
Other names: short protein forms Q4247*.
Identifiers: ClinVar variation 544074 (VCV000544074.20), dbSNP rs907126709, ClinGen allele CA43488656.